The following is an entry in ClinVar:

ClinVar aggregate classification (germline): Benign/Likely benign. Review status: criteria provided, multiple submitters, no conflicts (2 of 4 stars). 2 submissions from 2 submitters: Benign (1); Likely benign (1). Last evaluated 2026-03-01.

Allele frequency attached by ClinVar (database versions not stated): ESP Exome Variant Server 0.00008; TOPMed 0.00057; gnomAD 0.00067; ExAC 0.00087; gnomAD exomes 0.00093; 1000 Genomes Project 0.00120; 1000 Genomes Project 30x 0.00156.

Submissions (2):

CeGaT Center for Human Genetics Tuebingen
Classification: Likely benign. Last evaluated: 2026-03-01. Review status: criteria provided, single submitter. Criteria: CeGaT Center For Human Genetics Tuebingen Variant Classification Criteria Version 2. Collection method: clinical testing. Allele origin: germline. Affected: yes. Observed: 1 variant allele.
Comment: CAT: PP3, BS2

Labcorp Genetics (formerly Invitae), Labcorp
Classification: Benign. Last evaluated: 2019-12-31. Review status: criteria provided, single submitter. Criteria: Invitae Variant Classification Sherloc (09022015). Collection method: clinical testing. Allele origin: germline.

NM_001752.4(CAT):c.565C>T (p.Arg189Cys)

Gene: CAT (catalase; plus strand). Cytogenetic location: 11p13.
Variant type: single nucleotide variant.
Coding change: c.565C>T on transcript NM_001752.4 (MANE Select); coding-DNA position 565, C replaced by T.
Protein change: p.Arg189Cys; replaces arginine 189 with cysteine.
Molecular consequence: missense variant.
Genome position (GRCh38, 1-based): chr11:34,453,174, C>T. VCF-style: chr11-34453174-C-T. GRCh37 (hg19) VCF-style: chr11-34474721-C-T.
Other names: short protein forms R189C.
Identifiers: ClinVar variation 716541 (VCV000716541.8), dbSNP rs78209054, ClinGen allele CA5944353.
Genomic context (GRCh38, chr11:34,453,174, plus strand): 5'-AAGAGAAATCCTCAGACACATCTGAAGGATCCGGACATGGTCTGGGACTTCTGGAGCCTA[C>T]GTCCTGAGTCTCTGCATCAGGTATGAACCCTTTTTTGCCATTGTATTATATCACCTGGGA-3'
Protein context (NP_001743.1, residues 179-199): PDMVWDFWSL[Arg189Cys]PESLHQVSFL